The following is an entry in ClinVar:

NM_000037.4(ANK1):c.659A>G (p.Asn220Ser)

Gene: ANK1 (ankyrin 1; minus strand). Cytogenetic location: 8p11.21.
Variant type: single nucleotide variant.
Coding change: c.659A>G on transcript NM_000037.4 (MANE Select); coding-DNA position 659, A replaced by G.
Protein change: p.Asn220Ser; replaces asparagine 220 with serine.
Molecular consequence: missense variant.
Genome position (GRCh38, 1-based): chr8:41,724,508, T>C on the plus strand (A>G on the coding strand, the complement: ANK1 is on the minus strand). VCF-style: chr8-41724508-T-C. GRCh37 (hg19) VCF-style: chr8-41582026-T-C.
Other names: p.Asn220Ser; c.659A>G (NM_000037.3); c.758A>G, p.Asn253Ser (NM_001142446.2); c.659A>G, p.Asn220Ser (NM_020475.3, NM_020476.3, NM_020477.3); short protein forms N220S, N253S.
Identifiers: ClinVar variation 2439052 (VCV002439052.8), dbSNP rs948026077, ClinGen allele CA175915926.

ClinVar aggregate classification (germline): Uncertain significance. Review status: criteria provided, multiple submitters, no conflicts (2 of 4 stars). 5 submissions from 5 submitters: Uncertain significance (5). Last evaluated 2025-08-20.

Conditions:
Inborn genetic diseases. Identifiers: MedGen C0950123, MeSH D030342.
Hereditary spherocytosis type 1. Also called: Spherocytosis type 1; ANK1-Related Spherocytosis. Identifiers: Orphanet 822, MedGen C2674218, MONDO:0008447, OMIM 182900.

Allele frequency attached by ClinVar (database versions not stated): gnomAD exomes below 0.00001; TOPMed 0.00002; gnomAD 0.00003.
gnomAD v4.1: 11 of 1,602,772 alleles (0.00069%); highest among the groups gnomAD compares: African/African-American, 0.0067%; 1 homozygote.

Submissions (5):

Mayo Clinic Laboratories, Mayo Clinic
Classification: Uncertain significance. Last evaluated: 2025-08-20. Review status: criteria provided, single submitter. Criteria: ACMG Guidelines, 2015. Collection method: clinical testing. Allele origin: germline. Observed: 1 variant allele.
Comment: BP4_moderate, PM2_supporting

Labcorp Genetics (formerly Invitae), Labcorp
Classification: Uncertain significance. Last evaluated: 2025-06-05. Review status: criteria provided, single submitter. Criteria: Invitae Variant Classification Sherloc (09022015). Collection method: clinical testing. Allele origin: germline.
Comment: This sequence change replaces asparagine, which is neutral and polar, with serine, which is neutral and polar, at codon 220 of the ANK1 protein (p.Asn220Ser). The frequency data for this variant in the population databases is considered unreliable, as metrics indicate poor data quality at this position in the gnomAD database. This variant has not been reported in the literature in individuals affected with ANK1-related conditions. ClinVar contains an entry for this variant (Variation ID: 2439052). Invitae Evidence Modeling of protein sequence and biophysical properties (such as structural, functional, and spatial information, amino acid conservation, physicochemical variation, residue mobility, and thermodynamic stability) indicates that this missense variant is not expected to disrupt ANK1 protein function with a negative predictive value of 80%. In summary, the available evidence is currently insufficient to determine the role of this variant in disease. Therefore, it has been classified as a Variant of Uncertain Significance.

Ambry Genetics
Classification: Uncertain significance for Inborn genetic diseases. Last evaluated: 2023-08-22. Review status: criteria provided, single submitter. Criteria: Ambry Variant Classification Scheme 2023. Collection method: clinical testing. Allele origin: germline.

ARUP Laboratories, Molecular Genetics and Genomics, ARUP Laboratories
Classification: Uncertain significance for Hereditary spherocytosis type 1. Last evaluated: 2023-06-27. Review status: criteria provided, single submitter. Criteria: ARUP Molecular Germline Variant Investigation Process 2024. Collection method: clinical testing. Allele origin: germline.

Revvity Omics, Revvity
Classification: Uncertain significance for Hereditary spherocytosis type 1. Last evaluated: 2022-09-01. Review status: criteria provided, single submitter. Criteria: ACMG Guidelines, 2015. Collection method: clinical testing. Allele origin: germline.